The following is an entry in ClinVar:

NM_006415.4(SPTLC1):c.1136+6T>C

Gene: SPTLC1 (serine palmitoyltransferase long chain base subunit 1; minus strand). Cytogenetic location: 9q22.31.
Variant type: single nucleotide variant.
Coding change: c.1136+6T>C on transcript NM_006415.4 (MANE Select); 6 bases into the intron after coding-DNA position 1136, T replaced by C.
Molecular consequence: intron variant.
Genome position (GRCh38, 1-based): chr9:92,045,993, A>G on the plus strand (T>C on the coding strand, the complement: SPTLC1 is on the minus strand). VCF-style: chr9-92045993-A-G. GRCh37 (hg19) VCF-style: chr9-94808275-A-G.
Other names: c.1136+6T>C (NM_001281303.2); c.770+6T>C (NM_001368272.1); c.671+6T>C (NM_001368273.1).
Identifiers: ClinVar variation 862251 (VCV000862251.8), dbSNP rs541932144, ClinGen allele CA5121310.

ClinVar aggregate classification (germline): Uncertain significance (1 of 4 stars; one submission).

Conditions:
Hereditary sensory and autonomic neuropathy type 1 (HSAN1). Also called: HSAN 1; HSN Type I; Hereditary Sensory Neuropathy Type I. Identifiers: Orphanet 36386, MedGen C0020071, MONDO:0018213.

Allele frequency attached by ClinVar (database versions not stated): gnomAD exomes 0.00006 and 0.00001; ExAC 0.00004; 1000 Genomes Project 30x 0.00016; gnomAD 0.00001; TOPMed 0.00001; 1000 Genomes Project 0.00020.
gnomAD v4.1: 15 of 1,610,702 alleles (0.00093%); highest among the groups gnomAD compares: East Asian, 0.029%; no homozygotes.

Submission:

Labcorp Genetics (formerly Invitae), Labcorp
Classification: Uncertain significance for Hereditary sensory and autonomic neuropathy type 1. Last evaluated: 2024-12-23. Review status: criteria provided, single submitter. Criteria: Invitae Variant Classification Sherloc (09022015). Collection method: clinical testing. Allele origin: germline.
Comment: This sequence change falls in intron 12 of the SPTLC1 gene. It does not directly change the encoded amino acid sequence of the SPTLC1 protein. It affects a nucleotide within the consensus splice site. This variant is present in population databases (rs541932144, gnomAD 0.07%). This variant has not been reported in the literature in individuals affected with SPTLC1-related conditions. ClinVar contains an entry for this variant (Variation ID: 862251). Variants that disrupt the consensus splice site are a relatively common cause of aberrant splicing (PMID: 17576681, 9536098). Algorithms developed to predict the effect of sequence changes on RNA splicing suggest that this variant is not likely to affect RNA splicing. In summary, the available evidence is currently insufficient to determine the role of this variant in disease. Therefore, it has been classified as a Variant of Uncertain Significance.

Literature cited by the submitters: PubMed 17576681; PubMed 9536098.